The following is an entry in ClinVar:

ClinVar aggregate classification (germline): Uncertain significance. Review status: criteria provided, multiple submitters, no conflicts (2 of 4 stars). 2 submissions from 2 submitters: Uncertain significance (2). Last evaluated 2024-08-22.

Conditions:
Hypertrophic cardiomyopathy. Also called: HYPERTROPHIC MYOCARDIOPATHY. Identifiers: Orphanet 217569, MedGen C0007194, MeSH D002312, MONDO:0005045, HP:0001639.

Submissions (2):

Labcorp Genetics (formerly Invitae), Labcorp
Classification: Uncertain significance for Hypertrophic cardiomyopathy. Last evaluated: 2024-08-22. Review status: criteria provided, single submitter. Criteria: Invitae Variant Classification Sherloc (09022015). Collection method: clinical testing. Allele origin: germline.
Comment: This sequence change replaces alanine, which is neutral and non-polar, with threonine, which is neutral and polar, at codon 131 of the MYBPC3 protein (p.Ala131Thr). This variant is not present in population databases (gnomAD no frequency). This variant has not been reported in the literature in individuals affected with MYBPC3-related conditions. An algorithm developed to predict the effect of missense changes on protein structure and function (PolyPhen-2) suggests that this variant is likely to be tolerated. In summary, the available evidence is currently insufficient to determine the role of this variant in disease. Therefore, it has been classified as a Variant of Uncertain Significance.

All of Us Research Program, National Institutes of Health
Classification: Uncertain significance for Hypertrophic cardiomyopathy. Last evaluated: 2023-08-15. Review status: criteria provided, single submitter. Criteria: ACMG Guidelines, 2015. Collection method: clinical testing. Allele origin: germline. Inheritance: Autosomal dominant inheritance. Observed: 1 variant allele, 1 heterozygote.
Comment: This missense variant replaces alanine with threonine at codon 131 of the MYBPC3 protein. Computational prediction suggests that this variant may not impact protein structure and function (internally defined REVEL score threshold <= 0.5, PMID: 27666373). To our knowledge, functional studies have not been reported for this variant. This variant has not been reported in individuals affected with MYBPC3-related disorders in the literature. This variant has not been identified in the general population by the Genome Aggregation Database (gnomAD). The available evidence is insufficient to determine the role of this variant in disease conclusively. Therefore, this variant is classified as a Variant of Uncertain Significance.

This study involves interpretation of variants in research participants for the purpose of population health screening. Participant phenotype was not available at the time of variant classification. Additional details can be found in publication PMID: 35346344, PMCID: PMC8962531

NM_000256.3(MYBPC3):c.391G>A (p.Ala131Thr)

Gene: MYBPC3 (myosin binding protein C3; minus strand). Cytogenetic location: 11p11.2.
Variant type: single nucleotide variant.
Coding change: c.391G>A on transcript NM_000256.3 (MANE Select); coding-DNA position 391, G replaced by A.
Protein change: p.Ala131Thr; replaces alanine 131 with threonine.
Molecular consequence: missense variant.
Genome position (GRCh38, 1-based): chr11:47,350,517, C>T on the plus strand (G>A on the coding strand, the complement: MYBPC3 is on the minus strand). VCF-style: chr11-47350517-C-T. GRCh37 (hg19) VCF-style: chr11-47372068-C-T.
Other names: short protein forms A131T.
Identifiers: ClinVar variation 3073001 (VCV003073001.3), dbSNP rs2495783451, ClinGen allele CA380340384.